The following is an entry in ClinVar:

ClinVar aggregate classification (germline): Uncertain significance (1 of 4 stars; one submission).

Conditions:
Inborn genetic diseases. Identifiers: MedGen C0950123, MeSH D030342.

Submission:

Ambry Genetics
Classification: Uncertain significance for Inborn genetic diseases. Last evaluated: 2025-05-05. Review status: criteria provided, single submitter. Criteria: Ambry Variant Classification Scheme 2023. Collection method: clinical testing. Allele origin: germline.
Comment: The p.Q223P variant (also known as c.668A>C), located in coding exon 6 of the PAX5 gene, results from an A to C substitution at nucleotide position 668. The glutamine at codon 223 is replaced by proline, an amino acid with similar properties. This amino acid position is conserved. In addition, this alteration is predicted to be deleterious by in silico analysis. Based on the available evidence, the clinical significance of this variant remains unclear.

NM_016734.3(PAX5):c.668A>C (p.Gln223Pro)

Gene: PAX5 (paired box 5; minus strand). Cytogenetic location: 9p13.2.
Variant type: single nucleotide variant.
Coding change: c.668A>C on transcript NM_016734.3 (MANE Select); coding-DNA position 668, A replaced by C.
Protein change: p.Gln223Pro; replaces glutamine 223 with proline.
Molecular consequence: missense variant. On other transcripts: non-coding transcript variant (2).
Genome position (GRCh38, 1-based): chr9:36,966,661, T>G on the plus strand (A>C on the coding strand, the complement: PAX5 is on the minus strand). VCF-style: chr9-36966661-T-G. GRCh37 (hg19) VCF-style: chr9-36966658-T-G.
Other names: c.668A>C, p.Gln223Pro (NM_001280547.2, NM_001280548.2, NM_001280549.2 and 2 more transcripts); c.344A>C, p.Gln115Pro (NM_001280551.2, NM_001280556.2); c.539A>C, p.Gln180Pro (NM_001280553.2, NM_001280554.2); c.470A>C, p.Gln157Pro (NM_001280555.2); short protein forms Q180P, Q223P, Q157P, Q115P.
Identifiers: ClinVar variation 3928318 (VCV003928318.1).